The following is an entry in ClinVar:

ClinVar aggregate classification (germline): Likely pathogenic (1 of 4 stars; one submission).

Conditions:
Creatine transporter deficiency (CCDS1). Also called: CEREBRAL CREATINE DEFICIENCY SYNDROME 1; Mental retardation , X-linked with seizures, short stature and midface hypoplasia; Mental retardation , X-linked, with creatine transport deficiency; X-linked creatine transporter deficiency; X-linked creatine deficiency syndrome; SLC6A8-Related Creatine Transporter Deficiency. Identifiers: Orphanet 52503, MedGen C1845862, MONDO:0010305, OMIM 300352.

Submission:

Labcorp Genetics (formerly Invitae), Labcorp
Classification: Likely pathogenic for Creatine transporter deficiency. Last evaluated: 2023-12-12. Review status: criteria provided, single submitter. Criteria: Invitae Variant Classification Sherloc (09022015). Collection method: clinical testing. Allele origin: germline.
Comment: This sequence change affects a donor splice site in intron 2 of the SLC6A8 gene. It is expected to disrupt RNA splicing. Variants that disrupt the donor or acceptor splice site typically lead to a loss of protein function (PMID: 16199547), and loss-of-function variants in SLC6A8 are known to be pathogenic (PMID: 22281021). This variant is not present in population databases (gnomAD no frequency). This variant has not been reported in the literature in individuals affected with SLC6A8-related conditions. Algorithms developed to predict the effect of sequence changes on RNA splicing suggest that this variant may disrupt the consensus splice site. In summary, the currently available evidence indicates that the variant is pathogenic, but additional data are needed to prove that conclusively. Therefore, this variant has been classified as Likely Pathogenic.

Literature cited by the submitters: PubMed 16199547; PubMed 22281021.

NM_005629.4(SLC6A8):c.394+2T>G

Gene: SLC6A8 (solute carrier family 6 member 8; plus strand). Cytogenetic location: Xq28.
Variant type: single nucleotide variant.
Coding change: c.394+2T>G on transcript NM_005629.4 (MANE Select); the canonical splice donor site of the intron after coding-DNA position 394, T replaced by G.
Molecular consequence: splice donor variant.
Genome position (GRCh38, 1-based): chrX:153,690,508, T>G. VCF-style: chrX-153690508-T-G. GRCh37 (hg19) VCF-style: chrX-152955963-T-G.
Other names: c.394+2T>G (NM_001142805.2); c.49+2T>G (NM_001142806.1).
Identifiers: ClinVar variation 2702447 (VCV002702447.3), dbSNP rs2522152542, ClinGen allele CA415078137.